The following is an entry in ClinVar:

NM_001127208.3(TET2):c.2921A>G (p.His974Arg)

Genes: TET2 (tet methylcytosine dioxygenase 2; plus strand), TET2-AS1 (TET2 antisense RNA 1; minus strand). Cytogenetic location: 4q24.
Variant type: single nucleotide variant.
Coding change: c.2921A>G on transcript NM_001127208.3 (MANE Select); coding-DNA position 2921, A replaced by G.
Protein change: p.His974Arg; replaces histidine 974 with arginine.
Molecular consequence: missense variant.
Genome position (GRCh38, 1-based): chr4:105,236,863, A>G. VCF-style: chr4-105236863-A-G. GRCh37 (hg19) VCF-style: chr4-106158020-A-G.
Other names: c.2921A>G, p.His974Arg (NM_017628.4); short protein forms H974R.
Identifiers: ClinVar variation 3806025 (VCV003806025.1).

ClinVar aggregate classification (germline): Uncertain significance (1 of 4 stars; one submission).

gnomAD v4.1: 6 of 1,614,044 alleles (0.00037%); highest among the groups gnomAD compares: South Asian, 0.0011%; no homozygotes.

Submission:

Ambry Genetics
Classification: Uncertain significance. Last evaluated: 2025-02-03. Review status: criteria provided, single submitter. Criteria: Ambry Variant Classification Scheme 2023. Collection method: clinical testing. Allele origin: germline.
Comment: The p.H974R variant (also known as c.2921A>G), located in coding exon 1 of the TET2 gene, results from an A to G substitution at nucleotide position 2921. The histidine at codon 974 is replaced by arginine, an amino acid with highly similar properties. This amino acid position is conserved. In addition, this alteration is predicted to be tolerated by in silico analysis. Based on the available evidence, the clinical significance of this variant remains unclear.